The following is an entry in ClinVar:

NM_206926.2(SELENON):c.-22G>C

Gene: SELENON (selenoprotein N; plus strand). Cytogenetic location: 1p36.11.
Variant type: single nucleotide variant.
Coding change: c.-22G>C on transcript NM_206926.2 (MANE Select); 22 bases upstream of the start codon, G replaced by C.
Molecular consequence: 5 prime UTR variant.
Genome position (GRCh38, 1-based): chr1:25,800,209, G>C. VCF-style: chr1-25800209-G-C. GRCh37 (hg19) VCF-style: chr1-26126700-G-C.
Other names: c.-22G>C (NM_020451.3).
Identifiers: ClinVar variation 4985233 (VCV004985233.1).

ClinVar aggregate classification (germline): Likely benign (1 of 4 stars; one submission).

Conditions:
SELENON-related disorder. Also called: SELENON-related condition.

Submission:

PreventionGenetics, part of Exact Sciences
Classification: Likely benign for SELENON-related condition. Last evaluated: 2026-08-28. Review status: criteria provided, single submitter. Criteria: ACMG Guidelines, 2015. Collection method: clinical testing. Allele origin: germline.
Comment: This variant is classified as likely benign based on ACMG/AMP sequence variant interpretation guidelines (Richards et al. 2015 PMID: 25741868, with internal and published modifications).